The following is an entry in ClinVar:

NM_017882.3(CLN6):c.775G>C (p.Gly259Arg)

Gene: CLN6 (CLN6 transmembrane ER protein; minus strand). Cytogenetic location: 15q23.
Variant type: single nucleotide variant.
Coding change: c.775G>C on transcript NM_017882.3 (MANE Select); coding-DNA position 775, G replaced by C.
Protein change: p.Gly259Arg; replaces glycine 259 with arginine.
Molecular consequence: missense variant.
Genome position (GRCh38, 1-based): chr15:68,208,301, C>G on the plus strand (G>C on the coding strand, the complement: CLN6 is on the minus strand). VCF-style: chr15-68208301-C-G. GRCh37 (hg19) VCF-style: chr15-68500639-C-G.
Other names: short protein forms G259R.
Identifiers: ClinVar variation 219176 (VCV000219176.3), dbSNP rs150363441, ClinGen allele CA277913.

ClinVar aggregate classification (germline): Uncertain significance (1 of 4 stars; one submission).

Conditions:
Ceroid lipofuscinosis, neuronal, 6A. Also called: Neuronal ceroid lipofuscinosis, late infantile, variant; Neuronal ceroid lipofuscinosis, Gypsy/Indian early juvenile variant; Neuronal ceroid lipofuscinosis 6; CLN6-Related Neuronal Ceroid-Lipofuscinosis. Identifiers: Orphanet 168491, Orphanet 228363, MedGen C5551375, MONDO:0011144, OMIM 601780.

Submission:

Strand Center for Genomics and Personalized Medicine, Strand Life Sciences Pvt Ltd
Classification: Uncertain significance for Ceroid lipofuscinosis, neuronal, 6A. Review status: criteria provided, single submitter. Criteria: Strand Life Sciences Variant classification assertion Criteria. Collection method: clinical testing. Allele origin: germline. Inheritance: Autosomal recessive inheritance. Affected: yes. Observed: 1 variant allele, 1 homozygote.
Comment: This is a novel homozygous variant in the CLN6 gene that has not been reported in a disease context. However, two other variations affecting the codon 259 have been reported. The variation was found to segregate within the family, was absent in 250 controls, and was thus suspected to be the causative variant [PMID:19135028].

Literature cited by the submitters: PubMed 19135028.